The following is an entry in ClinVar:

NM_001042492.3(NF1):c.1001T>G (p.Ile334Ser)

Gene: NF1 (neurofibromin 1; plus strand). Cytogenetic location: 17q11.2.
Variant type: single nucleotide variant.
Coding change: c.1001T>G on transcript NM_001042492.3 (MANE Select); coding-DNA position 1001, T replaced by G.
Protein change: p.Ile334Ser; replaces isoleucine 334 with serine.
Molecular consequence: missense variant.
Genome position (GRCh38, 1-based): chr17:31,200,534, T>G. VCF-style: chr17-31200534-T-G. GRCh37 (hg19) VCF-style: chr17-29527552-T-G.
Other names: c.1001T>G, p.Ile334Ser (NM_000267.4, NM_001128147.3); short protein forms I334S.
Identifiers: ClinVar variation 4800712 (VCV004800712.1).

ClinVar aggregate classification (germline): Uncertain significance (1 of 4 stars; one submission).

Conditions:
Neurofibromatosis, type 1 (NF1). Also called: VON RECKLINGHAUSEN DISEASE; Neurofibromatosis, type I; NEUROFIBROMATOSIS, TYPE I, SOMATIC; Peripheral type neurofibromatosis. Identifiers: Orphanet 636, MedGen C0027831, MONDO:0018975, OMIM 162200. Disease mechanism: loss of function.

Submission:

Labcorp Genetics (formerly Invitae), Labcorp
Classification: Uncertain significance for Neurofibromatosis, type 1. Last evaluated: 2025-10-13. Review status: criteria provided, single submitter. Criteria: Invitae Variant Classification Sherloc (09022015). Collection method: clinical testing. Allele origin: germline.
Comment: This sequence change replaces isoleucine, which is neutral and non-polar, with serine, which is neutral and polar, at codon 334 of the NF1 protein (p.Ile334Ser). This variant is not present in population databases (gnomAD no frequency). This variant has not been reported in the literature in individuals affected with NF1-related conditions. Invitae Evidence Modeling of protein sequence and biophysical properties (such as structural, functional, and spatial information, amino acid conservation, physicochemical variation, residue mobility, and thermodynamic stability) indicates that this missense variant is expected to disrupt NF1 protein function with a positive predictive value of 95%. In summary, the available evidence is currently insufficient to determine the role of this variant in disease. Therefore, it has been classified as a Variant of Uncertain Significance.